The following is an entry in ClinVar:

ClinVar aggregate classification (germline): Pathogenic (1 of 4 stars; one submission).

Submission:

GeneDx
Classification: Pathogenic. Last evaluated: 2026-10-23. Review status: criteria provided, single submitter. Criteria: GeneDx Variant Classification Process June 2021. Collection method: clinical testing. Allele origin: germline.
Comment: Canonical splice site variant predicted to result in a null allele in a gene for which loss of function is a known mechanism of disease; Not observed at significant frequency in large population cohorts (gnomAD); Has not been previously published as pathogenic or benign to our knowledge

NM_004999.4(MYO6):c.554-2del

Gene: MYO6 (myosin VI; plus strand). Cytogenetic location: 6q14.1.
Variant type: Deletion.
Coding change: c.554-2del on transcript NM_004999.4 (MANE Select); the canonical splice acceptor site of the intron before coding-DNA position 554, one base deleted (A; older notation c.554-2delA).
Molecular consequence: splice acceptor variant. On other transcripts: intron variant (1).
Genome position (GRCh38, 1-based): chr6:75,840,583, A deleted. VCF-style (leftmost placement, unchanged base first): chr6-75840582-TA-T. GRCh37 (hg19) VCF-style: chr6-76550299-TA-T.
Other names: c.554-2del (NM_001368865.1, NM_001368866.1, NM_001368137.1 and 4 more transcripts); c.554-17del (NM_001368138.1).
Identifiers: ClinVar variation 5008276 (VCV005008276.2).
Genomic context (GRCh38, chr6:75,840,582, plus strand): 5'-CATGCATATTTTGTAATGTTCCGTCATGCTAATTTTTTGATGGATTTTTTTGTTTCTCAA[TA>T]GCTAACCCACTCCTAGAAGCCTTTGGAAATGCGAAGACTGTTCGCAACAATAATAGCAGT-3'